The following is an entry in ClinVar:

ClinVar aggregate classification (germline): Benign/Likely benign. Review status: criteria provided, multiple submitters, no conflicts (2 of 4 stars). 4 submissions from 4 submitters: Benign (1); Likely benign (2). 1 of the submissions does not count toward it. Last evaluated 2026-09-01.

Conditions:
COL4A2-related disorder. Also called: COL4A2-related disorders; COL4A2-related condition.
Brain small vessel disease 2A, autosomal dominant. Also called: Porencephaly 2. Identifiers: Orphanet 2940, Orphanet 99810, MedGen C3280970, MONDO:0013773, OMIM 614483.

Allele frequency attached by ClinVar (database versions not stated): ESP Exome Variant Server 0.00008; TOPMed 0.00033; gnomAD exomes 0.00044.
gnomAD v4.1: 666 of 1,613,614 alleles (0.041%); highest among the groups gnomAD compares: Non-Finnish European, 0.053%; 1 homozygote.

Submissions (4):

CeGaT Center for Human Genetics Tuebingen
Classification: Likely benign. Last evaluated: 2026-09-01. Review status: criteria provided, single submitter. Criteria: CeGaT Center For Human Genetics Tuebingen Variant Classification Criteria Version 2. Collection method: clinical testing. Allele origin: germline. Affected: yes. Observed: 1 variant allele.
Comment: COL4A2: BP4, BP7

Labcorp Genetics (formerly Invitae), Labcorp
Classification: Likely benign. Last evaluated: 2025-07-02. Review status: criteria provided, single submitter. Criteria: Invitae Variant Classification Sherloc (09022015). Collection method: clinical testing. Allele origin: germline.

Illumina Laboratory Services, Illumina
Classification: Benign for Brain small vessel disease 2A, autosomal dominant. Last evaluated: 2018-01-13. Review status: criteria provided, single submitter. Criteria: ICSL Variant Classification Criteria 13 December 2019. Collection method: clinical testing. Allele origin: germline.
Comment: This variant was observed in the ICSL laboratory as part of a predisposition screen in an ostensibly healthy population. It had not been previously curated by ICSL or reported in the Human Gene Mutation Database (HGMD: prior to June 1st, 2018), and was therefore a candidate for classification through an automated scoring system. Utilizing variant allele frequency, disease prevalence and penetrance estimates, and inheritance mode, an automated score was calculated to assess if this variant is too frequent to cause the disease. Based on the score and internal cut-off values, a variant classified as benign is not then subjected to further curation. The score for this variant resulted in a classification of benign for this disease.

PreventionGenetics, part of Exact Sciences
Classification: Likely benign for COL4A2-related condition. Last evaluated: 2024-04-05. Review status: no assertion criteria provided. Collection method: clinical testing. Allele origin: germline. Not counted in ClinVar's aggregate classification.
Comment: This variant is classified as likely benign based on ACMG/AMP sequence variant interpretation guidelines (Richards et al. 2015 PMID: 25741868, with internal and published modifications).

NM_001846.4(COL4A2):c.3087C>T (p.Pro1029=)

Gene: COL4A2 (collagen type IV alpha 2 chain; plus strand). Cytogenetic location: 13q34.
Variant type: single nucleotide variant.
Coding change: c.3087C>T on transcript NM_001846.4 (MANE Select); coding-DNA position 3087, C replaced by T.
Protein change: p.Pro1029=; no amino-acid change (proline 1029 retained).
Molecular consequence: synonymous variant.
Genome position (GRCh38, 1-based): chr13:110,485,716, C>T. VCF-style: chr13-110485716-C-T. GRCh37 (hg19) VCF-style: chr13-111138063-C-T.
Other names: c.3087C>T (NM_001846.3).
Identifiers: ClinVar variation 311154 (VCV000311154.14), dbSNP rs201630262, ClinGen allele CA7050082.